The following is an entry in ClinVar:

ClinVar aggregate classification (germline): Uncertain significance (1 of 4 stars; one submission).

Conditions:
Type A2 brachydactyly (BDA2). Also called: MOHR-WRIEDT TYPE BRACHYDACTYLY; Brachymesophalangy type 2; BRACHYMESOPHALANGY II. Identifiers: Orphanet 93396, MedGen C1832702, MONDO:0007216, OMIM 112600, HP:0009372.
Acromesomelic dysplasia 3 (AMD3). Also called: CHONDRODYSPLASIA, ACROMESOMELIC, WITH OR WITHOUT GENITAL ANOMALIES; Acromesomelic dysplasia, Demirhan type. Identifiers: MedGen C4225404, MONDO:0012274, OMIM 609441.

Allele frequency attached by ClinVar (database versions not stated): ESP Exome Variant Server 0.00008; gnomAD 0.00010; TOPMed 0.00013; 1000 Genomes Project 30x 0.00016; 1000 Genomes Project 0.00020.
gnomAD v4.1: 96 of 1,613,898 alleles (0.0059%); highest among the groups gnomAD compares: Middle Eastern, 0.033%; no homozygotes.

Submission:

Labcorp Genetics (formerly Invitae), Labcorp
Classification: Uncertain significance for Type A2 brachydactyly; Acromesomelic dysplasia 3. Last evaluated: 2025-05-28. Review status: criteria provided, single submitter. Criteria: Invitae Variant Classification Sherloc (09022015). Collection method: clinical testing. Allele origin: germline.
Comment: This sequence change replaces phenylalanine, which is neutral and non-polar, with leucine, which is neutral and non-polar, at codon 242 of the BMPR1B protein (p.Phe242Leu). This variant is present in population databases (rs376819253, gnomAD 0.02%). This variant has not been reported in the literature in individuals affected with BMPR1B-related conditions. This variant is also known as p.Phe272Leu. ClinVar contains an entry for this variant (Variation ID: 653555). Invitae Evidence Modeling of protein sequence and biophysical properties (such as structural, functional, and spatial information, amino acid conservation, physicochemical variation, residue mobility, and thermodynamic stability) indicates that this missense variant is not expected to disrupt BMPR1B protein function with a negative predictive value of 80%. Experimental studies have shown that this missense change affects BMPR1B function (PMID: 31769494). In summary, the available evidence is currently insufficient to determine the role of this variant in disease. Therefore, it has been classified as a Variant of Uncertain Significance.

Literature cited by the submitters: PubMed 31769494.

NM_001203.3(BMPR1B):c.726C>G (p.Phe242Leu)

Gene: BMPR1B (bone morphogenetic protein receptor type 1B; plus strand). Cytogenetic location: 4q22.3.
Variant type: single nucleotide variant.
Coding change: c.726C>G on transcript NM_001203.3 (MANE Select); coding-DNA position 726, C replaced by G.
Protein change: p.Phe242Leu; replaces phenylalanine 242 with leucine.
Molecular consequence: missense variant.
Genome position (GRCh38, 1-based): chr4:95,130,002, C>G. VCF-style: chr4-95130002-C-G. GRCh37 (hg19) VCF-style: chr4-96051153-C-G.
Other names: c.726C>G, p.Phe242Leu (NM_001256792.2, NM_001256794.1); c.816C>G, p.Phe272Leu (NM_001256793.2); short protein forms F272L, F242L.
Identifiers: ClinVar variation 653555 (VCV000653555.9), dbSNP rs376819253, ClinGen allele CA3015067.